The following is an entry in ClinVar:

NM_015602.4(TOR1AIP1):c.830C>G (p.Ser277Ter)

Gene: TOR1AIP1 (torsin 1A interacting protein 1; plus strand). Cytogenetic location: 1q25.2.
Variant type: single nucleotide variant.
Coding change: c.830C>G on transcript NM_015602.4 (MANE Select); coding-DNA position 830, C replaced by G.
Protein change: p.Ser277Ter; replaces serine 277 with a stop codon.
Molecular consequence: nonsense.
Genome position (GRCh38, 1-based): chr1:179,907,856, C>G. VCF-style: chr1-179907856-C-G. GRCh37 (hg19) VCF-style: chr1-179876991-C-G.
Other names: c.833C>G, p.Ser278Ter (NM_001267578.2); short protein forms S277*, S278*.
Identifiers: ClinVar variation 1074522 (VCV001074522.9), dbSNP rs2148480016, ClinGen allele CA343568533.

ClinVar aggregate classification (germline): Conflicting classifications of pathogenicity. Review status: criteria provided, conflicting classifications (1 of 4 stars). 2 submissions from 2 submitters: Pathogenic (1); Benign (1). Last evaluated 2021-09-10.

Conditions:
Autosomal recessive limb-girdle muscular dystrophy type 2Y (MRRSDC). Also called: Muscular dystrophy, limb-girdle, type 2y; Muscular dystrophy, autosomal recessive, with rigid spine and distal joint contractures. Identifiers: Orphanet 424261, MedGen C4511482, MONDO:0014900, OMIM 617072.

Submissions (2):

Genome-Nilou Lab
Classification: Benign for Autosomal recessive limb-girdle muscular dystrophy type 2Y. Last evaluated: 2021-09-10. Review status: criteria provided, single submitter. Criteria: ACMG Guidelines, 2015. Collection method: clinical testing. Allele origin: germline. Affected: no.

Labcorp Genetics (formerly Invitae), Labcorp
Classification: Pathogenic for Autosomal recessive limb-girdle muscular dystrophy type 2Y. Last evaluated: 2020-03-17. Review status: criteria provided, single submitter. Criteria: Invitae Variant Classification Sherloc (09022015). Collection method: clinical testing. Allele origin: germline.
Comment: This sequence change creates a premature translational stop signal (p.Ser278*) in the TOR1AIP1 gene. It is expected to result in an absent or disrupted protein product. This variant is not present in population databases (ExAC no frequency). This variant has not been reported in the literature in individuals with TOR1AIP1-related conditions. Loss-of-function variants in TOR1AIP1 are known to be pathogenic (PMID: 4856141, 27342937). For these reasons, this variant has been classified as Pathogenic.

Literature cited by the submitters: PubMed 4856141 (cited by Labcorp Genetics (formerly Invitae), Labcorp); PubMed 27342937 (cited by Labcorp Genetics (formerly Invitae), Labcorp).